The following is an entry in ClinVar:

NM_002472.3(MYH8):c.5421G>A (p.Ala1807=)

Genes: MYHAS (myosin heavy chain gene cluster antisense RNA; plus strand), MYH8 (myosin heavy chain 8; minus strand), LOC126862493 (BRD4-independent group 4 enhancer GRCh37_chr17:10295275-10296474; plus strand). Cytogenetic location: 17p13.1.
Variant type: single nucleotide variant.
Coding change: c.5421G>A on transcript NM_002472.3 (MANE Select); coding-DNA position 5421, G replaced by A.
Protein change: p.Ala1807=; no amino-acid change (alanine 1807 retained).
Molecular consequence: synonymous variant.
Genome position (GRCh38, 1-based): chr17:10,392,873, C>T on the plus strand (G>A on the coding strand, the complement: MYH8 is on the minus strand). VCF-style: chr17-10392873-C-T. GRCh37 (hg19) VCF-style: chr17-10296190-C-T.
Identifiers: ClinVar variation 708149 (VCV000708149.4), dbSNP rs750794678, ClinGen allele CA8387046.

ClinVar aggregate classification (germline): Likely benign. Review status: criteria provided, multiple submitters, no conflicts (2 of 4 stars). 2 submissions from 2 submitters: Likely benign (2). Last evaluated 2024-10-14.

Conditions:
MYH8-related disorder. Also called: MYH8-related condition.

Allele frequency attached by ClinVar (database versions not stated): ExAC 0.00002.

Submissions (2):

PreventionGenetics, part of Exact Sciences
Classification: Likely benign for MYH8-related condition. Last evaluated: 2024-10-14. Review status: criteria provided, single submitter. Criteria: ACMG Guidelines, 2015. Collection method: clinical testing. Allele origin: germline.
Comment: This variant is classified as likely benign based on ACMG/AMP sequence variant interpretation guidelines (Richards et al. 2015 PMID: 25741868, with internal and published modifications).

Labcorp Genetics (formerly Invitae), Labcorp
Classification: Likely benign. Last evaluated: 2017-09-01. Review status: criteria provided, single submitter. Criteria: Invitae Variant Classification Sherloc (09022015). Collection method: clinical testing. Allele origin: germline.